The following is an entry in ClinVar:

NM_000222.3(KIT):c.1826A>G (p.Tyr609Cys)

Gene: KIT (KIT proto-oncogene, receptor tyrosine kinase; plus strand). Cytogenetic location: 4q12.
Variant type: single nucleotide variant.
Coding change: c.1826A>G on transcript NM_000222.3 (MANE Select); coding-DNA position 1826, A replaced by G.
Protein change: p.Tyr609Cys; replaces tyrosine 609 with cysteine.
Molecular consequence: missense variant.
Genome position (GRCh38, 1-based): chr4:54,727,874, A>G. VCF-style: chr4-54727874-A-G. GRCh37 (hg19) VCF-style: chr4-55594040-A-G.
Other names: c.1814A>G, p.Tyr605Cys (NM_001093772.2, NM_001385286.1); c.1829A>G, p.Tyr610Cys (NM_001385284.1, NM_001385290.1); c.1826A>G, p.Tyr609Cys (NM_001385285.1); c.1817A>G, p.Tyr606Cys (NM_001385288.1, NM_001385292.1); short protein forms Y605C, Y609C, Y610C, Y606C.
Identifiers: ClinVar variation 1780844 (VCV001780844.4), dbSNP rs2109779797, ClinGen allele CA356908043.
Genomic context (GRCh38, chr4:54,727,874, plus strand): 5'-TTCCTACAGGGAAAACCCTGGGTGCTGGAGCTTTCGGGAAGGTTGTTGAGGCAACTGCTT[A>G]TGGCTTAATTAAGTCAGATGCGGCCATGACTGTCGCTGTAAAGATGCTCAAGCGTAAGTT-3'
Protein context (NP_000213.1, residues 599-619): AFGKVVEATA[Tyr609Cys]GLIKSDAAMT

ClinVar aggregate classification (germline): Uncertain significance. Review status: criteria provided, multiple submitters, no conflicts (2 of 4 stars). 3 submissions from 3 submitters: Uncertain significance (3). Last evaluated 2025-12-10.

Conditions:
Gastrointestinal stromal tumor. Also called: Gastrointestinal stromal tumor, somatic; Gastrointestinal stroma tumor. Identifiers: Orphanet 44890, MedGen C0238198, MeSH D046152, MONDO:0011719, OMIM 606764, HP:0100723.
Hereditary cancer-predisposing syndrome. Also called: Neoplastic Syndromes, Hereditary; Tumor predisposition; Hereditary Cancer Syndrome; Hereditary neoplastic syndrome. Identifiers: Orphanet 140162, MedGen C0027672, MeSH D009386, MONDO:0015356.

Submissions (3):

Labcorp Genetics (formerly Invitae), Labcorp
Classification: Uncertain significance for Gastrointestinal stromal tumor. Last evaluated: 2025-12-10. Review status: criteria provided, single submitter. Criteria: Invitae Variant Classification Sherloc (09022015). Collection method: clinical testing. Allele origin: germline.
Comment: This sequence change replaces tyrosine, which is neutral and polar, with cysteine, which is neutral and slightly polar, at codon 609 of the KIT protein (p.Tyr609Cys). This variant is not present in population databases (gnomAD no frequency). This variant has not been reported in the literature in individuals affected with KIT-related conditions. ClinVar contains an entry for this variant (Variation ID: 1780844). An algorithm developed to predict the effect of missense changes on protein structure and function (PolyPhen-2) suggests that this variant is likely to be disruptive. In summary, the available evidence is currently insufficient to determine the role of this variant in disease. Therefore, it has been classified as a Variant of Uncertain Significance.

GeneDx
Classification: Uncertain significance. Last evaluated: 2024-09-25. Review status: criteria provided, single submitter. Criteria: GeneDx Variant Classification Process June 2021. Collection method: clinical testing. Allele origin: germline. Affected: yes.
Comment: In silico analysis supports that this missense variant has a deleterious effect on protein structure/function; Not observed at significant frequency in large population cohorts (gnomAD); Has not been previously published as pathogenic or benign to our knowledge

Ambry Genetics
Classification: Uncertain significance for Hereditary cancer-predisposing syndrome. Last evaluated: 2022-02-05. Review status: criteria provided, single submitter. Criteria: Ambry Variant Classification Scheme 2023. Collection method: clinical testing. Allele origin: germline.
Comment: The p.Y609C variant (also known as c.1826A>G), located in coding exon 12 of the KIT gene, results from an A to G substitution at nucleotide position 1826. The tyrosine at codon 609 is replaced by cysteine, an amino acid with highly dissimilar properties. This amino acid position is conserved. In addition, this alteration is predicted to be deleterious by in silico analysis. Since supporting evidence is limited at this time, the clinical significance of this alteration remains unclear.